The following is an entry in ClinVar:

ClinVar aggregate classification (germline): Benign (1 of 4 stars; one submission).

Conditions:
Lafora disease. Also called: Epilepsy progressive myoclonic 2. Identifiers: Orphanet 501, MedGen C0751783, MONDO:0009697.

Allele frequency attached by ClinVar (database versions not stated): gnomAD exomes 0.02796; 1000 Genomes Project 0.05751; gnomAD 0.05878 and 0.06100; 1000 Genomes Project 30x 0.05965; TOPMed 0.06318.

Submission:

Illumina Laboratory Services, Illumina
Classification: Benign for Myoclonic epilepsy of Lafora 1. Last evaluated: 2018-01-13. Review status: criteria provided, single submitter. Criteria: ICSL Variant Classification Criteria 13 December 2019. Collection method: clinical testing. Allele origin: germline.
Comment: This variant was observed in the ICSL laboratory as part of a predisposition screen in an ostensibly healthy population. It had not been previously curated by ICSL or reported in the Human Gene Mutation Database (HGMD: prior to June 1st, 2018), and was therefore a candidate for classification through an automated scoring system. Utilizing variant allele frequency, disease prevalence and penetrance estimates, and inheritance mode, an automated score was calculated to assess if this variant is too frequent to cause the disease. Based on the score and internal cut-off values, a variant classified as benign is not then subjected to further curation. The score for this variant resulted in a classification of benign for this disease.

NM_198586.3(NHLRC1):c.*626C>T

Gene: NHLRC1 (NHL repeat containing E3 ubiquitin protein ligase 1; minus strand). Cytogenetic location: 6p22.3.
Variant type: single nucleotide variant.
Coding change: c.*626C>T on transcript NM_198586.3 (MANE Select); 626 bases downstream of the stop codon, C replaced by T.
Molecular consequence: 3 prime UTR variant.
Genome position (GRCh38, 1-based): chr6:18,120,793, G>A on the plus strand (C>T on the coding strand, the complement: NHLRC1 is on the minus strand). VCF-style: chr6-18120793-G-A. GRCh37 (hg19) VCF-style: chr6-18121024-G-A.
Identifiers: ClinVar variation 356062 (VCV000356062.5), dbSNP rs10949480, ClinGen allele CA10626462.